The following is an entry in ClinVar:

ClinVar aggregate classification (germline): Pathogenic/Likely pathogenic. Review status: criteria provided, multiple submitters, no conflicts (2 of 4 stars). 2 submissions from 2 submitters: Pathogenic (1); Likely pathogenic (1). Last evaluated 2024-04-12.

Conditions:
Familial hypokalemia-hypomagnesemia (GTLMNS). Also called: HYPOMAGNESEMIA-HYPOKALEMIA, PRIMARY RENOTUBULAR, WITH HYPOCALCIURIA; POTASSIUM AND MAGNESIUM DEPLETION; gitelman syndrome. Identifiers: Orphanet 358, MedGen C0268450, MONDO:0009904, OMIM 263800.

Allele frequency attached by ClinVar (database versions not stated): gnomAD exomes below 0.00001.

Submissions (2):

Fulgent Genetics
Classification: Likely pathogenic for Familial hypokalemia-hypomagnesemia. Last evaluated: 2024-04-12. Review status: criteria provided, single submitter. Criteria: ACMG Guidelines, 2015. Collection method: clinical testing. Allele origin: germline.

Labcorp Genetics (formerly Invitae), Labcorp
Classification: Pathogenic. Last evaluated: 2023-09-12. Review status: criteria provided, single submitter. Criteria: Invitae Variant Classification Sherloc (09022015). Collection method: clinical testing. Allele origin: germline.
Comment: This sequence change creates a premature translational stop signal (p.Ala224Valfs*34) in the SLC12A3 gene. It is expected to result in an absent or disrupted protein product. Loss-of-function variants in SLC12A3 are known to be pathogenic (PMID: 20848653, 22009145, 25841442). For these reasons, this variant has been classified as Pathogenic. ClinVar contains an entry for this variant (Variation ID: 1905749). This variant has not been reported in the literature in individuals affected with SLC12A3-related conditions. This variant is not present in population databases (gnomAD no frequency).

Literature cited by the submitters: PubMed 20848653 (cited by Labcorp Genetics (formerly Invitae), Labcorp); PubMed 22009145 (cited by Labcorp Genetics (formerly Invitae), Labcorp); PubMed 25841442 (cited by Labcorp Genetics (formerly Invitae), Labcorp).

NM_001126108.2(SLC12A3):c.671_672del (p.Ala224fs)

Gene: SLC12A3 (solute carrier family 12 member 3; plus strand). Cytogenetic location: 16q13.
Variant type: Deletion.
Coding change: c.671_672del on transcript NM_001126108.2 (MANE Select); coding-DNA positions 671 to 672, 2 bases deleted (CT; older notation c.671_672delCT).
Protein change: p.Ala224fs; shifts the reading frame from alanine 224.
Molecular consequence: frameshift variant.
Genome position (GRCh38, 1-based): chr16:56,870,165-56,870,166, CT deleted. VCF-style (leftmost placement, unchanged base first): chr16-56870164-GCT-G. GRCh37 (hg19) VCF-style: chr16-56904076-GCT-G.
Other names: c.671_672del, p.Ala224fs (NM_000339.3); c.668_669del, p.Ala223fs (NM_001126107.2); c.668_669delCT, p.Ala223Valfs (NM_001410896.1); short protein forms A223fs, A224fs.
Identifiers: ClinVar variation 1905749 (VCV001905749.6), dbSNP rs2055072815, ClinGen allele CA2224349302.
Genomic context (GRCh38, chr16:56,870,164, plus strand): 5'-TACTTCCTCATCTCCCGGAGTCTGGGCCCAGAGCTTGGGGGCTCCATCGGCCTCATTTTC[GCT>G]TTCGCCAATGCCGTGGGTGTGGCCATGCACACGGTGGGCTTTGCAGAGACCGTGCGGGAC-3'